The following is an entry in ClinVar:

ClinVar aggregate classification (germline): Likely pathogenic. Review status: reviewed by expert panel (3 of 4 stars). 6 submissions from 6 submitters: Likely pathogenic (1). 5 of the submissions do not count toward it. Last evaluated 2025-09-30.

Conditions:
Neuromuscular disease caused by qualitative or quantitative defects of dysferlin. Also called: Qualitative or quantitative defects of dysferlin; Dysferlinopathy. Identifiers: Orphanet 207073, MedGen C2931687, MONDO:0016145.
Autosomal recessive limb-girdle muscular dystrophy. Identifiers: Orphanet 102015, MedGen C2931907, MONDO:0015152.
Miyoshi muscular dystrophy 1 (MMD1). Identifiers: Orphanet 45448, MedGen C4551973, MONDO:0024545, OMIM 254130.
Autosomal recessive limb-girdle muscular dystrophy type 2B (LGMDR2). Also called: MUSCULAR DYSTROPHY, LIMB-GIRDLE, TYPE 3; Limb-girdle muscular dystrophy, type 2B; Limb-Girdle Muscular Dystrophy Type 2B (LGMD2B); MUSCULAR DYSTROPHY, LIMB-GIRDLE, AUTOSOMAL RECESSIVE 2. Identifiers: Orphanet 268, MedGen C1850889, MONDO:0009676, OMIM 253601.

Allele frequency attached by ClinVar (database versions not stated): gnomAD exomes below 0.00001.
gnomAD v4.1: 1 of 1,614,150 alleles (0.000062%); highest among the groups gnomAD compares: Non-Finnish European, 0.000085%; no homozygotes.

Submissions (6):

ClinGen Limb Girdle Muscular Dystrophy Variant Curation Expert Panel, ClinGen
Classification: Likely pathogenic for Autosomal recessive limb-girdle muscular dystrophy. Last evaluated: 2025-09-30. Review status: reviewed by expert panel. Criteria: ClinGen LGMD VCEP ACMG Specifications DYSF V2.0.0. Collection method: curation. Allele origin: germline. Inheritance: Autosomal recessive inheritance.
Comment: The NM_003494.4: c.792+1G>A variant in DYSF, which is also known as NM_001130987.2: c.888+1G>A, occurs within the splice donor motif of exon 7. SpliceAI gives a score of 0.99 for donor loss and 0.57 for gain of a cryptic splice donor site in intron 7. Skipping of exon 7 would be expected to result in an in-frame deletion of less than 10% of the protein (PVS1_Moderate). However, use of the cryptic splice donor would be expected to introduce a frameshift. This variant has been reported in at least six individuals with features consistent with LGMD (PMID 27647186, 31268554, 36580222; ClinVar SCV005060896.1 internal data communication; Jain Foundation Dysferlin Registry internal data communication), including in a homozygous state in five patients from India, Brazil, and UAE, with likely familial consanguinity (0.25 pts x4 = 1.0 pt; PMID: 36580222, 31268554; ClinVar SCV005060896.1, ClinVar SCV003524621.3 internal data communications; Jain Foundation Dysferlin Registry internal data communication). In the fifth patient, it was identified in unconfirmed phase with a variant classified as at least likely pathogenic (NM_003494.4: c.965T>C p.(Leu322Pro), 0.25 pts, PMID: 27647186) (PM3). At least one patient with this variant and a second presumed diagnostic DYSF variant displayed progressive limb girdle muscle weakness (PMID: 27647186; ClinVar SCV005060896.1 internal data communication; Jain Foundation Dysferlin Registry internal data communication; PP4). The highest population minor allele frequency of this variant is 0.0000008 in the European (non-Finnish) population of gnomAD v4.1.0 (1/1180028), which is less than the VCEP threshold (PM2_Supporting). In summary, this variant meets the criteria to be classified as Likely Pathogenic for autosomal recessive limb girdle muscular dystrophy based on the ACMG/AMP criteria applied, as specified by the ClinGen LGMD VCEP specifications version 2.0.0; 09/30/2025): PVS1_Moderate, PM3, PP4, PM2_Supporting.

Baylor Genetics
Classification: Pathogenic for Miyoshi muscular dystrophy 1. Last evaluated: 2023-01-10. Review status: criteria provided, single submitter. Criteria: ACMG Guidelines, 2015. Collection method: clinical testing. Allele origin: unknown. Not counted in ClinVar's aggregate classification.

Labcorp Genetics (formerly Invitae), Labcorp
Classification: Pathogenic for Neuromuscular disease caused by qualitative or quantitative defects of dysferlin. Last evaluated: 2022-03-18. Review status: criteria provided, single submitter. Criteria: Invitae Variant Classification Sherloc (09022015). Collection method: clinical testing. Allele origin: germline. Not counted in ClinVar's aggregate classification.
Comment: For these reasons, this variant has been classified as Pathogenic. Algorithms developed to predict the effect of sequence changes on RNA splicing suggest that this variant may disrupt the consensus splice site. ClinVar contains an entry for this variant (Variation ID: 290198). Disruption of this splice site has been observed in individuals with clinical features of DYSF-related conditions (PMID: 27647186; Invitae). This variant is not present in population databases (gnomAD no frequency). This sequence change affects a donor splice site in intron 7 of the DYSF gene. It is expected to disrupt RNA splicing. Variants that disrupt the donor or acceptor splice site typically lead to a loss of protein function (PMID: 16199547), and loss-of-function variants in DYSF are known to be pathogenic (PMID: 17698709, 20301480).

Eurofins Ntd Llc (ga)
Classification: Likely pathogenic. Last evaluated: 2016-08-08. Review status: criteria provided, single submitter. Criteria: EGL Classification Definitions 2015. Collection method: clinical testing. Allele origin: germline. Observed: 1 variant allele, 1 homozygote. Not counted in ClinVar's aggregate classification.

Neuberg Centre For Genomic Medicine, NCGM
Classification: Likely pathogenic for Autosomal recessive limb-girdle muscular dystrophy type 2B. Review status: criteria provided, single submitter. Criteria: ACMG Guidelines, 2015. Collection method: clinical testing. Allele origin: germline. Inheritance: Autosomal recessive inheritance. Affected: yes. Not counted in ClinVar's aggregate classification.
Comment: The observed splice site variant c.888+1G>A in DYSF gene has been reported previously in compound heterozygous state in an individual with Dysferlinopathy (Jin SQ, et al., 2016). The variant c.888+1G>A is absent in gnomAD Exomes. This variant has been reported to the ClinVar database as Pathogenic/Likely Pathogenic. The variant affects the GT donor splice site downstream of exon 8. This variant is predicted to be Damaging by SpliceAI Prediction. This variant is predicted to cause loss of normal protein function through protein truncation. Loss of function variants have been previously reported to be disease causing (Nguyen K, et al., 2007). For these reasons, this variant has been classified as Likely Pathogenic.

Counsyl
Classification: Likely pathogenic for Autosomal recessive limb-girdle muscular dystrophy type 2B. Last evaluated: 2018-02-14. Review status: no assertion criteria provided. Collection method: clinical testing. Allele origin: unknown. Not counted in ClinVar's aggregate classification.

Literature cited by the submitters: PubMed 27647186 (cited by Labcorp Genetics (formerly Invitae), Labcorp and Counsyl); PubMed 16199547 (cited by Labcorp Genetics (formerly Invitae), Labcorp); PubMed 17698709 (cited by Labcorp Genetics (formerly Invitae), Labcorp); PubMed 20301480 (cited by Labcorp Genetics (formerly Invitae), Labcorp).

NM_001130987.2(DYSF):c.888+1G>A

Gene: DYSF (dysferlin; plus strand). Cytogenetic location: 2p13.2.
Variant type: single nucleotide variant.
Coding change: c.888+1G>A on transcript NM_001130987.2 (MANE Select); the canonical splice donor site of the intron after coding-DNA position 888, G replaced by A.
Molecular consequence: splice donor variant.
Genome position (GRCh38, 1-based): chr2:71,515,752, G>A. VCF-style: chr2-71515752-G-A. GRCh37 (hg19) VCF-style: chr2-71742882-G-A.
Other names: c.885+1G>A (NM_001130979.2, NM_001130981.2, NM_001130980.2); c.792+1G>A (NM_001130978.2, NM_003494.4, NM_001130977.2 and 1 more transcripts); c.888+1G>A (NM_001130982.2, NM_001130985.2); c.795+1G>A (NM_001130983.2, NM_001130455.2, NM_001130984.2 and 1 more transcripts).
Identifiers: ClinVar variation 290198 (VCV000290198.13), dbSNP rs886044377, ClinGen allele CA10606682.